The following is an entry in ClinVar:

ClinVar aggregate classification (germline): Uncertain significance. Review status: criteria provided, multiple submitters, no conflicts (2 of 4 stars). 4 submissions from 4 submitters: Uncertain significance (4). Last evaluated 2025-06-25.

Conditions:
Inborn genetic diseases. Identifiers: MedGen C0950123, MeSH D030342.
3-methylcrotonyl-CoA carboxylase 2 deficiency. Also called: METHYLCROTONYLGLYCINURIA, TYPE II; 3 alpha methylcrotonyl-CoA carboxylase 2 deficiency; 3 alpha methylcrotonylglycinuria 2; MCC 2 deficiency; Methylcrotonylglycinuria type 2. Identifiers: Orphanet 6, MedGen C1859499, MONDO:0008862, OMIM 210210.

Allele frequency attached by ClinVar (database versions not stated): gnomAD 0.00002; ExAC 0.00003; gnomAD exomes 0.00003; TOPMed 0.00005.
gnomAD v4.1: 46 of 1,613,922 alleles (0.0029%); highest among the groups gnomAD compares: Admixed American, 0.012%; no homozygotes.

Submissions (4):

Ambry Genetics
Classification: Uncertain significance for Inborn genetic diseases. Last evaluated: 2025-06-25. Review status: criteria provided, single submitter. Criteria: Ambry Variant Classification Scheme 2023. Collection method: clinical testing. Allele origin: germline.

Labcorp Genetics (formerly Invitae), Labcorp
Classification: Uncertain significance for 3-methylcrotonyl-CoA carboxylase 2 deficiency. Last evaluated: 2024-11-11. Review status: criteria provided, single submitter. Criteria: Invitae Variant Classification Sherloc (09022015). Collection method: clinical testing. Allele origin: germline.
Comment: This sequence change replaces serine, which is neutral and polar, with phenylalanine, which is neutral and non-polar, at codon 498 of the MCCC2 protein (p.Ser498Phe). This variant is present in population databases (rs757286719, gnomAD 0.009%). This variant has not been reported in the literature in individuals affected with MCCC2-related conditions. ClinVar contains an entry for this variant (Variation ID: 1708798). Invitae Evidence Modeling of protein sequence and biophysical properties (such as structural, functional, and spatial information, amino acid conservation, physicochemical variation, residue mobility, and thermodynamic stability) indicates that this missense variant is expected to disrupt MCCC2 protein function with a positive predictive value of 95%. In summary, the available evidence is currently insufficient to determine the role of this variant in disease. Therefore, it has been classified as a Variant of Uncertain Significance.

Baylor Genetics
Classification: Uncertain significance for 3-methylcrotonyl-CoA carboxylase 2 deficiency. Last evaluated: 2022-09-21. Review status: criteria provided, single submitter. Criteria: ACMG Guidelines, 2015. Collection method: clinical testing. Allele origin: unknown.

GeneDx
Classification: Uncertain significance. Last evaluated: 2022-04-08. Review status: criteria provided, single submitter. Criteria: GeneDx Variant Classification Process June 2021. Collection method: clinical testing. Allele origin: germline. Affected: yes.
Comment: Not observed at significant frequency in large population cohorts (gnomAD); In silico analysis supports that this missense variant has a deleterious effect on protein structure/function; Has not been previously published as pathogenic or benign to our knowledge

NM_022132.5(MCCC2):c.1493C>T (p.Ser498Phe)

Gene: MCCC2 (methylcrotonyl-CoA carboxylase subunit 2; plus strand). Cytogenetic location: 5q13.2.
Variant type: single nucleotide variant.
Coding change: c.1493C>T on transcript NM_022132.5 (MANE Select); coding-DNA position 1493, C replaced by T.
Protein change: p.Ser498Phe; replaces serine 498 with phenylalanine.
Molecular consequence: missense variant.
Genome position (GRCh38, 1-based): chr5:71,652,673, C>T. VCF-style: chr5-71652673-C-T. GRCh37 (hg19) VCF-style: chr5-70948500-C-T.
Other names: c.1379C>T, p.Ser460Phe (NM_001363147.1); short protein forms S460F, S498F.
Identifiers: ClinVar variation 1708798 (VCV001708798.9), dbSNP rs757286719, ClinGen allele CA3298179.